The following is an entry in ClinVar:

ClinVar aggregate classification (germline): Uncertain significance. Review status: criteria provided, multiple submitters, no conflicts (2 of 4 stars). 5 submissions from 5 submitters: Uncertain significance (3). 2 of the submissions do not count toward it. Last evaluated 2021-09-25.

Conditions:
Charcot-Marie-Tooth disease type 2. Also called: Charcot-Marie-Tooth type 2. Identifiers: Orphanet 64746, MedGen C0270914, MONDO:0018993.

Allele frequency attached by ClinVar (database versions not stated): gnomAD exomes 0.00001; TOPMed 0.00002; gnomAD 0.00003.
gnomAD v4.1: 19 of 1,613,968 alleles (0.0012%); highest among the groups gnomAD compares: Non-Finnish European, 0.0015%; no homozygotes.

Submissions (5):

Labcorp Genetics (formerly Invitae), Labcorp
Classification: Uncertain significance for Charcot-Marie-Tooth disease type 2. Last evaluated: 2021-09-25. Review status: criteria provided, single submitter. Criteria: Invitae Variant Classification Sherloc (09022015). Collection method: clinical testing. Allele origin: germline.
Comment: This sequence change replaces asparagine with serine at codon 40 of the MFN2 protein (p.Asn40Ser). The asparagine residue is highly conserved and there is a small physicochemical difference between asparagine and serine. In summary, the available evidence is currently insufficient to determine the role of this variant in disease. Therefore, it has been classified as a Variant of Uncertain Significance. Algorithms developed to predict the effect of missense changes on protein structure and function are either unavailable or do not agree on the potential impact of this missense change (SIFT: "Tolerated"; PolyPhen-2: "Probably Damaging"; Align-GVGD: "Class C0"). ClinVar contains an entry for this variant (Variation ID: 594103). This variant has not been reported in the literature in individuals affected with MFN2-related conditions. This variant is not present in population databases (ExAC no frequency).

CeGaT Center for Human Genetics Tuebingen
Classification: Uncertain significance. Last evaluated: 2019-10-01. Review status: criteria provided, single submitter. Criteria: CeGaT Center For Human Genetics Tuebingen Variant Classification Criteria Version 2. Collection method: clinical testing. Allele origin: germline. Affected: yes. Observed: 1 variant allele.

Eurofins Ntd Llc (ga)
Classification: Uncertain significance. Last evaluated: 2017-09-28. Review status: criteria provided, single submitter. Criteria: EGL Classification Definitions 2015. Collection method: clinical testing. Allele origin: germline. Observed: 1 variant allele, 1 heterozygote.

Clinical Genetics DNA and cytogenetics Diagnostics Lab, Erasmus MC, Erasmus Medical Center
Classification: Likely benign. Review status: no assertion criteria provided. Collection method: clinical testing. Allele origin: germline. Affected: yes. Study: VKGL Data-share Consensus. Not counted in ClinVar's aggregate classification.

Joint Genome Diagnostic Labs from Nijmegen and Maastricht, Radboudumc and MUMC+
Classification: Likely benign. Review status: no assertion criteria provided. Collection method: clinical testing. Allele origin: germline. Affected: yes. Study: VKGL Data-share Consensus. Not counted in ClinVar's aggregate classification.

NM_014874.4(MFN2):c.119A>G (p.Asn40Ser)

Gene: MFN2 (mitofusin 2; plus strand). Cytogenetic location: 1p36.22.
Variant type: single nucleotide variant.
Coding change: c.119A>G on transcript NM_014874.4 (MANE Select); coding-DNA position 119, A replaced by G.
Protein change: p.Asn40Ser; replaces asparagine 40 with serine.
Molecular consequence: missense variant.
Genome position (GRCh38, 1-based): chr1:11,989,287, A>G. VCF-style: chr1-11989287-A-G. GRCh37 (hg19) VCF-style: chr1-12049344-A-G.
Other names: c.119A>G, p.Asn40Ser (NM_001127660.2); short protein forms N40S.
Identifiers: ClinVar variation 594103 (VCV000594103.53), dbSNP rs1354203259, ClinGen allele CA338459727.